The following is an entry in ClinVar:

ClinVar aggregate classification (germline): Uncertain significance (1 of 4 stars; one submission).

Allele frequency attached by ClinVar (database versions not stated): gnomAD 0.00001 and 0.00003; gnomAD exomes 0.00002 and 0.00003; TOPMed 0.00002; ExAC 0.00003.
gnomAD v4.1: 50 of 1,613,242 alleles (0.0031%); highest among the groups gnomAD compares: African/African-American, 0.0053%; no homozygotes.

Submission:

GeneDx
Classification: Uncertain significance. Last evaluated: 2022-02-03. Review status: criteria provided, single submitter. Criteria: GeneDx Variant Classification Process June 2021. Collection method: clinical testing. Allele origin: germline. Affected: yes.
Comment: Not observed at a significant frequency in large population cohorts (gnomAD); In silico analysis, which includes protein predictors and evolutionary conservation, supports a deleterious effect; In silico analysis supports a deleterious effect on splicing; Has not been previously published as pathogenic or benign to our knowledge

NM_003793.4(CTSF):c.1349A>G (p.Lys450Arg)

Gene: CTSF (cathepsin F; minus strand). Cytogenetic location: 11q13.2.
Variant type: single nucleotide variant.
Coding change: c.1349A>G on transcript NM_003793.4 (MANE Select); coding-DNA position 1349, A replaced by G.
Protein change: p.Lys450Arg; replaces lysine 450 with arginine.
Molecular consequence: missense variant.
Genome position (GRCh38, 1-based): chr11:66,564,119, T>C on the plus strand (A>G on the coding strand, the complement: CTSF is on the minus strand). VCF-style: chr11-66564119-T-C. GRCh37 (hg19) VCF-style: chr11-66331590-T-C.
Other names: short protein forms K450R.
Identifiers: ClinVar variation 1310919 (VCV001310919.3), dbSNP rs780392718, ClinGen allele CA6125224.
Genomic context (GRCh38, chr11:66,564,119, plus strand): 5'-GGGCCAGGGGCCAAGCCAGCAAGACTCACCTTCTCACCCCAGTCAGTGCCCCAGCTGTTC[T>C]TGATGGCCCAAAAGGGAACGTCAGAGCCTGGGGTGCAGTGCAGAGCGCAAGGATCAGGGT-3'
Protein context (NP_003784.2, residues 440-460): NRSDVPFWAI[Lys450Arg]NSWGTDWGEK